The following is an entry in ClinVar:

ClinVar aggregate classification (germline): Uncertain significance. Review status: criteria provided, multiple submitters, no conflicts (2 of 4 stars). 3 submissions from 3 submitters: Uncertain significance (3). Last evaluated 2024-08-10.

Conditions:
Inborn genetic diseases. Identifiers: MedGen C0950123, MeSH D030342.
Hyperphosphatasia with impaired intellectual development syndrome 2. Also called: GLYCOSYLPHOSPHATIDYLINOSITOL BIOSYNTHESIS DEFECT 6; Hyperphosphatasia with intellectual disability syndrome 2. Identifiers: Orphanet 247262, MedGen C3553637, MONDO:0013882, OMIM 614749.

Allele frequency attached by ClinVar (database versions not stated): TOPMed 0.00004; gnomAD 0.00005; gnomAD exomes 0.00008; ExAC 0.00006.

Submissions (3):

Ambry Genetics
Classification: Uncertain significance for Inborn genetic diseases. Last evaluated: 2024-08-10. Review status: criteria provided, single submitter. Criteria: Ambry Variant Classification Scheme 2023. Collection method: clinical testing. Allele origin: germline.

Labcorp Genetics (formerly Invitae), Labcorp
Classification: Uncertain significance for Hyperphosphatasia with impaired intellectual development syndrome 2. Last evaluated: 2022-08-09. Review status: criteria provided, single submitter. Criteria: Invitae Variant Classification Sherloc (09022015). Collection method: clinical testing. Allele origin: germline.
Comment: This sequence change replaces leucine, which is neutral and non-polar, with valine, which is neutral and non-polar, at codon 873 of the PIGO protein (p.Leu873Val). The frequency data for this variant in the population databases is considered unreliable, as metrics indicate poor data quality at this position in the gnomAD database. This variant has not been reported in the literature in individuals affected with PIGO-related conditions. ClinVar contains an entry for this variant (Variation ID: 913191). Algorithms developed to predict the effect of missense changes on protein structure and function are either unavailable or do not agree on the potential impact of this missense change (SIFT: "Tolerated"; PolyPhen-2: "Possibly Damaging"; Align-GVGD: "Class C0"). In summary, the available evidence is currently insufficient to determine the role of this variant in disease. Therefore, it has been classified as a Variant of Uncertain Significance.

Illumina Laboratory Services, Illumina
Classification: Uncertain significance for Hyperphosphatasia with impaired intellectual development syndrome 2. Last evaluated: 2018-03-30. Review status: criteria provided, single submitter. Criteria: ICSL Variant Classification Criteria 13 December 2019. Collection method: clinical testing. Allele origin: germline.

NM_032634.4(PIGO):c.2617C>G (p.Leu873Val)

Gene: PIGO (phosphatidylinositol glycan anchor biosynthesis class O; minus strand). Cytogenetic location: 9p13.3.
Variant type: single nucleotide variant.
Coding change: c.2617C>G on transcript NM_032634.4 (MANE Select); coding-DNA position 2617, C replaced by G.
Protein change: p.Leu873Val; replaces leucine 873 with valine.
Molecular consequence: missense variant.
Genome position (GRCh38, 1-based): chr9:35,091,270, G>C on the plus strand (C>G on the coding strand, the complement: PIGO is on the minus strand). VCF-style: chr9-35091270-G-C. GRCh37 (hg19) VCF-style: chr9-35091267-G-C.
Other names: c.1366C>G, p.Leu456Val (NM_001201484.2, NM_152850.4); short protein forms L456V, L873V.
Identifiers: ClinVar variation 913191 (VCV000913191.8), dbSNP rs542956681, ClinGen allele CA5040388.